The following is an entry in ClinVar:

NM_000179.3(MSH6):c.3363G>C (p.Glu1121Asp)

Gene: MSH6 (mutS homolog 6; plus strand). Cytogenetic location: 2p16.3.
Variant type: single nucleotide variant.
Coding change: c.3363G>C on transcript NM_000179.3 (MANE Select); coding-DNA position 3363, G replaced by C.
Protein change: p.Glu1121Asp; replaces glutamic acid 1121 with aspartic acid.
Molecular consequence: missense variant.
Genome position (GRCh38, 1-based): chr2:47,803,610, G>C. VCF-style: chr2-47803610-G-C. GRCh37 (hg19) VCF-style: chr2-48030749-G-C.
Other names: c.2973G>C, p.Glu991Asp (NM_001281492.2); c.2457G>C, p.Glu819Asp (NM_001281493.2, NM_001281494.2); short protein forms E1121D, E819D, E991D.
Identifiers: ClinVar variation 644510 (VCV000644510.17), dbSNP rs377226210, ClinGen allele CA070730.

ClinVar aggregate classification (germline): Conflicting classifications of pathogenicity. Review status: criteria provided, conflicting classifications (1 of 4 stars). 6 submissions from 6 submitters: Uncertain significance (4); Benign (1); Likely benign (1). Last evaluated 2026-06-17.

Conditions:
MSH6-related disorder. Also called: MSH6-Related disorders; MSH6-related condition.
Hereditary nonpolyposis colorectal neoplasms. Identifiers: MedGen C0009405, MeSH D003123.
Hereditary cancer-predisposing syndrome. Also called: Neoplastic Syndromes, Hereditary; Hereditary Cancer Syndrome; Hereditary neoplastic syndrome; Tumor predisposition. Identifiers: Orphanet 140162, MedGen C0027672, MeSH D009386, MONDO:0015356.
Endometrial carcinoma. Also called: Endometrial carcinoma, somatic. Identifiers: MedGen C0476089, MONDO:0002447, OMIM 608089, HP:0012114.

Allele frequency attached by ClinVar (database versions not stated): gnomAD exomes below 0.00001; ExAC 0.00001; gnomAD 0.00001; TOPMed 0.00001; ESP Exome Variant Server 0.00008.
gnomAD v4.1: 2 of 1,614,080 alleles (0.00012%); highest among the groups gnomAD compares: African/African-American, 0.0013%; no homozygotes.

Submissions (6):

Ambry Genetics
Classification: Likely benign for Hereditary cancer-predisposing syndrome. Last evaluated: 2026-06-17. Review status: criteria provided, single submitter. Criteria: Ambry Variant Classification Scheme 2023. Collection method: clinical testing. Allele origin: germline.

PreventionGenetics, part of Exact Sciences
Classification: Uncertain significance for MSH6-related condition. Last evaluated: 2025-12-08. Review status: criteria provided, single submitter. Criteria: ACMG Guidelines, 2015. Collection method: clinical testing. Allele origin: germline.
Comment: The MSH6 c.3363G>C variant is predicted to result in the amino acid substitution p.Glu1121Asp. To our knowledge, this variant has not been reported in the literature in individuals with MSH6-related conditions. To our knowledge, this variant has not been reported in the literature. This variant has been predicted to have no impact on MSH6 protein function using a bioinformatics prediction tool (Terui et al. 2013. PubMed ID: 23621914). This variant is reported in 0.0062% of alleles in individuals of African descent in gnomAD and has conflicting interpretations regarding its pathogenicity in ClinVar, ranging from benign to uncertain (Variation ID: 644510). At this time, the clinical significance of this variant is uncertain due to the absence of conclusive functional and genetic evidence.

Labcorp Genetics (formerly Invitae), Labcorp
Classification: Benign for Hereditary nonpolyposis colorectal neoplasms. Last evaluated: 2024-10-26. Review status: criteria provided, single submitter. Criteria: Invitae Variant Classification Sherloc (09022015). Collection method: clinical testing. Allele origin: germline.

Baylor Genetics
Classification: Uncertain significance for Endometrial carcinoma. Last evaluated: 2024-03-16. Review status: criteria provided, single submitter. Criteria: ACMG Guidelines, 2015. Collection method: clinical testing. Allele origin: unknown.

GeneDx
Classification: Uncertain significance. Last evaluated: 2023-05-10. Review status: criteria provided, single submitter. Criteria: GeneDx Variant Classification Process June 2021. Collection method: clinical testing. Allele origin: germline. Affected: yes.
Comment: Not observed at significant frequency in large population cohorts (gnomAD); In silico analysis supports that this missense variant does not alter protein structure/function; Has not been previously published as pathogenic or benign to our knowledge; This variant is associated with the following publications: (PMID: 23621914, 17531815, 21120944)

Women's Health and Genetics/Laboratory Corporation of America, LabCorp
Classification: Uncertain significance. Last evaluated: 2022-06-27. Review status: criteria provided, single submitter. Criteria: LabCorp Variant Classification Summary - May 2015. Collection method: clinical testing. Allele origin: germline.
Comment: Variant summary: MSH6 c.3363G>C (p.Glu1121Asp) results in a conservative amino acid change in the encoded protein sequence. Five of five in-silico tools predict a benign effect of the variant on protein function. The variant allele was found at a frequency of 4e-06 in 251416 control chromosomes (gnomAD). The available data on variant occurrences in the general population are insufficient to allow any conclusion about variant significance. To our knowledge, no occurrence of c.3363G>C in individuals affected with Lynch Syndrome or MSH6-related cancers has been reported. A bioinformatics tool to predict the impact of missense variants in MSH6 predicted the variant to have no impact on protein function (Terui_2013). One clinical diagnostic laboratory has submitted a clinical-significance assessment for this variant to ClinVar after 2014 and classified the variant as uncertain significance. Based on the evidence outlined above, the variant was classified as uncertain significance.

Literature cited by the submitters: PubMed 23621914 (cited by Women's Health and Genetics/Laboratory Corporation of America, LabCorp).